The following is an entry in ClinVar:

ClinVar aggregate classification (germline): Pathogenic/Likely pathogenic. Review status: criteria provided, multiple submitters, no conflicts (2 of 4 stars). 4 submissions from 4 submitters: Pathogenic (1); Likely pathogenic (1). 2 of the submissions do not count toward it. Last evaluated 2024-03-09.

Conditions:
COQ4-related disorder. Also called: COQ4-related condition.
Neonatal encephalomyopathy-cardiomyopathy-respiratory distress syndrome. Also called: Coenzyme Q10 deficiency, primary, 7. Identifiers: Orphanet 457185, MedGen C5568562, MONDO:0014562, OMIM 616276.

Allele frequency attached by ClinVar (database versions not stated): gnomAD 0.00001; TOPMed 0.00001.

Submissions (4):

Labcorp Genetics (formerly Invitae), Labcorp
Classification: Pathogenic for Neonatal encephalomyopathy-cardiomyopathy-respiratory distress syndrome. Last evaluated: 2024-03-09. Review status: criteria provided, single submitter. Criteria: Invitae Variant Classification Sherloc (09022015). Collection method: clinical testing. Allele origin: germline.
Comment: This sequence change creates a premature translational stop signal (p.Arg141*) in the COQ4 gene. It is expected to result in an absent or disrupted protein product. Loss-of-function variants in COQ4 are known to be pathogenic (PMID: 25658047). The frequency data for this variant in the population databases is considered unreliable, as metrics indicate poor data quality at this position in the gnomAD database. This premature translational stop signal has been observed in individual(s) with coenzyme Q10 deficiency (PMID: 25658047). ClinVar contains an entry for this variant (Variation ID: 189200). For these reasons, this variant has been classified as Pathogenic.

Blueprint Genetics
Classification: Likely pathogenic for COQ4-related disorders. Last evaluated: 2024-02-08. Review status: criteria provided, single submitter. Criteria: ACMG Guidelines, 2015. Collection method: clinical testing. Allele origin: germline. Affected: yes. Observed: 3 variant alleles.

OMIM
Classification: Pathogenic for COENZYME Q10 DEFICIENCY, PRIMARY, 7. Last evaluated: 2015-02-05. Review status: no assertion criteria provided. Collection method: literature only. Allele origin: germline. Not counted in ClinVar's aggregate classification.

GeneReviews
No classification provided. Condition: Neonatal encephalomyopathy-cardiomyopathy-respiratory distress syndrome. Review status: no classification provided. Collection method: literature only. Allele origin: germline. Not counted in ClinVar's aggregate classification.

Literature cited by the submitters: PubMed 25658047 (cited by Labcorp Genetics (formerly Invitae), Labcorp and OMIM); NCBI Bookshelf NBK410087 (cited by GeneReviews).

NM_016035.5(COQ4):c.421C>T (p.Arg141Ter)

Gene: COQ4 (coenzyme Q4; plus strand). Cytogenetic location: 9q34.11.
Variant type: single nucleotide variant.
Coding change: c.421C>T on transcript NM_016035.5 (MANE Select); coding-DNA position 421, C replaced by T.
Protein change: p.Arg141Ter; replaces arginine 141 with a stop codon.
Molecular consequence: nonsense. On other transcripts: intron variant (1).
Genome position (GRCh38, 1-based): chr9:128,332,171, C>T. VCF-style: chr9-128332171-C-T. GRCh37 (hg19) VCF-style: chr9-131094450-C-T.
Other names: c.3-1303C>T (NM_001305942.2); short protein forms R141*.
Identifiers: ClinVar variation 189200 (VCV000189200.9), dbSNP rs775607037, ClinGen allele CA199142.
Genomic context (GRCh38, chr9:128,332,171, plus strand): 5'-GAACCATCAGGAAGGGTTCTAGGGGAGGCTCATGGTTGTCAGAGGGTCTCCCCAGACACC[C>T]GAGCACCCACCCGCTTCGTGGATGATGAGGAGCTAGCGTATGTGATTCAGCGGTACCGGG-3'